The following is an entry in ClinVar:

NM_007254.4(PNKP):c.1270_1281dup (p.Thr424_Asp427dup)

Gene: PNKP (polynucleotide kinase 3'-phosphatase; minus strand). Cytogenetic location: 19q13.33.
Variant type: Duplication.
Coding change: c.1270_1281dup on transcript NM_007254.4 (MANE Select); coding-DNA positions 1270 to 1281, 12 bases duplicated (ACAAACCCAGAC).
Protein change: p.Thr424_Asp427dup.
Molecular consequence: inframe insertion.
Genome position (GRCh38, 1-based): chr19:49,861,789-49,861,800, GTCTGGGTTTGT duplicated on the plus strand (ACAAACCCAGAC on the coding strand, the reverse complement: PNKP is on the minus strand); duplicating any 12 consecutive bases within chr19:49,861,789-49,861,802 gives the same sequence; the c. name uses the placement nearest the transcript's 3' end. VCF-style (leftmost placement, unchanged base first): chr19-49861788-C-CGTCTGGGTTTGT. GRCh37 (hg19) VCF-style: chr19-50365045-C-CGTCTGGGTTTGT.
Identifiers: ClinVar variation 657400 (VCV000657400.6), dbSNP rs1258095629, ClinGen allele CA633894528.

ClinVar aggregate classification (germline): Uncertain significance (1 of 4 stars; one submission).

Conditions:
Developmental and epileptic encephalopathy, 12 (DEE12). Identifiers: MedGen C3150988, MONDO:0013389, OMIM 613722.

Submission:

Labcorp Genetics (formerly Invitae), Labcorp
Classification: Uncertain significance for Developmental and epileptic encephalopathy, 12. Last evaluated: 2024-03-14. Review status: criteria provided, single submitter. Criteria: Invitae Variant Classification Sherloc (09022015). Collection method: clinical testing. Allele origin: germline.
Comment: This variant, c.1270_1281dup, results in the insertion of 4 amino acid(s) of the PNKP protein (p.Thr424_Asp427dup), but otherwise preserves the integrity of the reading frame. This variant is not present in population databases (gnomAD no frequency). This variant has not been reported in the literature in individuals affected with PNKP-related conditions. ClinVar contains an entry for this variant (Variation ID: 657400). Experimental studies and prediction algorithms are not available or were not evaluated, and the functional significance of this variant is currently unknown. In summary, the available evidence is currently insufficient to determine the role of this variant in disease. Therefore, it has been classified as a Variant of Uncertain Significance.